The following is an entry in ClinVar:

NM_003907.3(EIF2B5):c.1778T>C (p.Met593Thr)

Gene: EIF2B5 (eukaryotic translation initiation factor 2B subunit epsilon; plus strand). Cytogenetic location: 3q27.1.
Variant type: single nucleotide variant.
Coding change: c.1778T>C on transcript NM_003907.3 (MANE Select); coding-DNA position 1778, T replaced by C.
Protein change: p.Met593Thr; replaces methionine 593 with threonine.
Molecular consequence: missense variant.
Genome position (GRCh38, 1-based): chr3:184,143,474, T>C. VCF-style: chr3-184143474-T-C. GRCh37 (hg19) VCF-style: chr3-183861262-T-C.
Other names: short protein forms M593T.
Identifiers: ClinVar variation 1959082 (VCV001959082.5), dbSNP rs1463974637, ClinGen allele CA355393150.

ClinVar aggregate classification (germline): Uncertain significance (1 of 4 stars; one submission).

Allele frequency attached by ClinVar (database versions not stated): gnomAD exomes below 0.00001.
gnomAD v4.1: 2 of 1,614,194 alleles (0.00012%); highest among the groups gnomAD compares: Admixed American, 0.0033%; no homozygotes.

Submission:

Labcorp Genetics (formerly Invitae), Labcorp
Classification: Uncertain significance. Last evaluated: 2022-09-07. Review status: criteria provided, single submitter. Criteria: Invitae Variant Classification Sherloc (09022015). Collection method: clinical testing. Allele origin: germline.
Comment: Advanced modeling of protein sequence and biophysical properties (such as structural, functional, and spatial information, amino acid conservation, physicochemical variation, residue mobility, and thermodynamic stability) performed at Invitae indicates that this missense variant is not expected to disrupt EIF2B5 protein function. This variant has not been reported in the literature in individuals affected with EIF2B5-related conditions. This variant is present in population databases (no rsID available, gnomAD 0.006%). This sequence change replaces methionine, which is neutral and non-polar, with threonine, which is neutral and polar, at codon 593 of the EIF2B5 protein (p.Met593Thr). In summary, the available evidence is currently insufficient to determine the role of this variant in disease. Therefore, it has been classified as a Variant of Uncertain Significance.